The following is an entry in ClinVar:

ClinVar aggregate classification (germline): Uncertain significance (1 of 4 stars; one submission).

Conditions:
Peripheral neuropathy. Also called: Neuropathy. Identifiers: MedGen C0031117, MONDO:0005244, HP:0009830.

Allele frequency attached by ClinVar (database versions not stated): ExAC 0.00002; TOPMed 0.00002.
gnomAD v4.1: 21 of 1,613,692 alleles (0.0013%); highest among the groups gnomAD compares: African/African-American, 0.0013%; no homozygotes.

Submission:

Labcorp Genetics (formerly Invitae), Labcorp
Classification: Uncertain significance for Peripheral neuropathy. Last evaluated: 2020-08-02. Review status: criteria provided, single submitter. Criteria: Invitae Variant Classification Sherloc (09022015). Collection method: clinical testing. Allele origin: germline.
Comment: In summary, the available evidence is currently insufficient to determine the role of this variant in disease. Therefore, it has been classified as a Variant of Uncertain Significance. Algorithms developed to predict the effect of missense changes on protein structure and function are either unavailable or do not agree on the potential impact of this missense change (SIFT: "Deleterious"; PolyPhen-2: "Benign"; Align-GVGD: "Class C35"). This variant has not been reported in the literature in individuals with FLRT1-related conditions. This variant is present in population databases (rs770098892, ExAC 0.003%). This sequence change replaces arginine with leucine at codon 294 of the FLRT1 protein (p.Arg294Leu). The arginine residue is highly conserved and there is a moderate physicochemical difference between arginine and leucine.

NM_013280.5(FLRT1):c.881G>T (p.Arg294Leu)

Genes: MACROD1 (mono-ADP ribosylhydrolase 1; minus strand), FLRT1 (fibronectin leucine rich transmembrane protein 1; plus strand). Cytogenetic location: 11q13.1.
Variant type: single nucleotide variant.
Coding change: c.881G>T on transcript NM_013280.5 (MANE Select); coding-DNA position 881, G replaced by T.
Protein change: p.Arg294Leu; replaces arginine 294 with leucine.
Molecular consequence: missense variant. On other transcripts: intron variant (2).
Genome position (GRCh38, 1-based): chr11:64,117,148, G>T. VCF-style: chr11-64117148-G-T. GRCh37 (hg19) VCF-style: chr11-63884620-G-T.
Other names: c.881G>T, p.Arg294Leu (NM_001384466.1); c.797G>T, p.Arg266Leu (NM_001423967.1); c.517+34091C>A (NM_001411019.1, NM_014067.4); short protein forms R294L, R266L.
Identifiers: ClinVar variation 1008089 (VCV001008089.8), dbSNP rs770098892, ClinGen allele CA6067565.